The following is an entry in ClinVar:

ClinVar aggregate classification (germline): Uncertain significance. Review status: criteria provided, multiple submitters, no conflicts (2 of 4 stars). 3 submissions from 3 submitters: Uncertain significance (3). Last evaluated 2024-12-03.

Conditions:
Global developmental delay - lung cysts - overgrowth - Wilms tumor syndrome. Also called: GLOW Syndrome; GLOBAL DEVELOPMENTAL DELAY, LUNG CYSTS, OVERGROWTH, AND WILMS TUMOR. Identifiers: Orphanet 404476, MedGen C4748924, MONDO:0018445, OMIM 618272.
DICER1-related tumor predisposition. Also called: DICER1-related pleuropulmonary blastoma cancer predisposition syndrome; DICER1 syndrome. Identifiers: Orphanet 284343, MedGen C3839822, MONDO:0100216.
Hereditary cancer-predisposing syndrome. Also called: Tumor predisposition; Neoplastic Syndromes, Hereditary; Hereditary Cancer Syndrome; Hereditary neoplastic syndrome. Identifiers: Orphanet 140162, MedGen C0027672, MeSH D009386, MONDO:0015356.

Allele frequency attached by ClinVar (database versions not stated): ExAC 0.00001; gnomAD exomes 0.00001.
gnomAD v4.1: 7 of 1,613,770 alleles (0.00043%); highest among the groups gnomAD compares: South Asian, 0.0077%; no homozygotes.

Submissions (3):

Ambry Genetics
Classification: Uncertain significance for Hereditary cancer-predisposing syndrome. Last evaluated: 2024-12-03. Review status: criteria provided, single submitter. Criteria: Ambry Variant Classification Scheme 2023. Collection method: clinical testing. Allele origin: germline.
Comment: The p.S1101C variant (also known as c.3302C>G), located in coding exon 20 of the DICER1 gene, results from a C to G substitution at nucleotide position 3302. The serine at codon 1101 is replaced by cysteine, an amino acid with dissimilar properties. This amino acid position is highly conserved in available vertebrate species. In addition, this alteration is predicted to be deleterious by in silico analysis. Since supporting evidence is limited at this time, the clinical significance of this alteration remains unclear.

Baylor Genetics
Classification: Uncertain significance for Global developmental delay - lung cysts - overgrowth - Wilms tumor syndrome. Last evaluated: 2023-08-09. Review status: criteria provided, single submitter. Criteria: ACMG Guidelines, 2015. Collection method: clinical testing. Allele origin: unknown.

Labcorp Genetics (formerly Invitae), Labcorp
Classification: Uncertain significance for DICER1-related tumor predisposition. Last evaluated: 2023-07-07. Review status: criteria provided, single submitter. Criteria: Invitae Variant Classification Sherloc (09022015). Collection method: clinical testing. Allele origin: germline.
Comment: This variant has not been reported in the literature in individuals affected with DICER1-related conditions. ClinVar contains an entry for this variant (Variation ID: 477134). Advanced modeling of protein sequence and biophysical properties (such as structural, functional, and spatial information, amino acid conservation, physicochemical variation, residue mobility, and thermodynamic stability) has been performed at Invitae for this missense variant, however the output from this modeling did not meet the statistical confidence thresholds required to predict the impact of this variant on DICER1 protein function. In summary, the available evidence is currently insufficient to determine the role of this variant in disease. Therefore, it has been classified as a Variant of Uncertain Significance. This variant is present in population databases (rs779748717, gnomAD 0.01%). This sequence change replaces serine, which is neutral and polar, with cysteine, which is neutral and slightly polar, at codon 1101 of the DICER1 protein (p.Ser1101Cys).

NM_177438.3(DICER1):c.3302C>G (p.Ser1101Cys)

Gene: DICER1 (dicer 1, ribonuclease III; minus strand). Cytogenetic location: 14q32.13.
Variant type: single nucleotide variant.
Coding change: c.3302C>G on transcript NM_177438.3 (MANE Select); coding-DNA position 3302, C replaced by G.
Protein change: p.Ser1101Cys; replaces serine 1101 with cysteine.
Molecular consequence: missense variant.
Genome position (GRCh38, 1-based): chr14:95,104,094, G>C on the plus strand (C>G on the coding strand, the complement: DICER1 is on the minus strand). VCF-style: chr14-95104094-G-C. GRCh37 (hg19) VCF-style: chr14-95570431-G-C.
Other names: c.3302C>G, p.Ser1101Cys (NM_001195573.1, NM_001271282.3, NM_001291628.2 and 1 more transcripts); short protein forms S1101C.
Identifiers: ClinVar variation 477134 (VCV000477134.16), dbSNP rs779748717, ClinGen allele CA7331061.